The following is an entry in ClinVar:

ClinVar aggregate classification (germline): Likely pathogenic (1 of 4 stars; one submission).

Conditions:
Deafness-lymphedema-leukemia syndrome. Also called: Emberger syndrome; Lymphedema, primary, with myelodysplasia. Identifiers: Orphanet 3226, MedGen C3279664, MONDO:0013540, OMIM 614038.
GATA2 deficiency with susceptibility to MDS/AML. Identifiers: MedGen CN300066, MONDO:0042982.

Submission:

Molecular Pathology Research Laboratory, SA Pathology
Classification: Likely pathogenic for GATA2 deficiency with susceptibility to MDS/AML; Deafness-lymphedema-leukemia syndrome. Last evaluated: 2021-07-06. Review status: criteria provided, single submitter. Criteria: ACMG Guidelines, 2015. Collection method: curation. Allele origin: unknown. Inheritance: Autosomal dominant inheritance. Affected: yes. Observed: 2 variant alleles.
Comment: PVS1_Strong, PS4_Moderate, PM2

Literature cited by the submitters: PubMed 24227816; PubMed 25359990; PubMed 21670465; PubMed 24077845; PubMed 24345756.

NM_032638.5(GATA2):c.1018-1G>A

Gene: GATA2 (GATA binding protein 2; minus strand). Cytogenetic location: 3q21.3.
Variant type: single nucleotide variant.
Coding change: c.1018-1G>A on transcript NM_032638.5 (MANE Select); the canonical splice acceptor site of the intron before coding-DNA position 1018, G replaced by A.
Molecular consequence: splice acceptor variant. On other transcripts: intron variant (1).
Genome position (GRCh38, 1-based): chr3:128,481,945, C>T on the plus strand (G>A on the coding strand, the complement: GATA2 is on the minus strand). VCF-style: chr3-128481945-C-T. GRCh37 (hg19) VCF-style: chr3-128200788-C-T.
Other names: c.1018-43G>A (NM_001145662.1); c.1018-1G>A (NM_001145661.2).
Identifiers: ClinVar variation 1184183 (VCV001184183.1), dbSNP rs869320668, ClinGen allele CA354413715.